The following is an entry in ClinVar:

NM_001278064.2(GRM1):c.3095A>T (p.Asp1032Val)

Gene: GRM1 (glutamate metabotropic receptor 1; plus strand). Cytogenetic location: 6q24.3.
Variant type: single nucleotide variant.
Coding change: c.3095A>T on transcript NM_001278064.2 (MANE Select); coding-DNA position 3095, A replaced by T.
Protein change: p.Asp1032Val; replaces aspartic acid 1032 with valine.
Molecular consequence: missense variant. On other transcripts: 3 prime UTR variant (3).
Genome position (GRCh38, 1-based): chr6:146,434,306, A>T. VCF-style: chr6-146434306-A-T. GRCh37 (hg19) VCF-style: chr6-146755442-A-T.
Other names: c.*459A>T (NM_001278065.2); c.*424A>T (NM_001278066.1); c.*333A>T (NM_001278067.1); short protein forms D1032V.
Identifiers: ClinVar variation 2136058 (VCV002136058.1), dbSNP rs2484164271, ClinGen allele CA366193034.

ClinVar aggregate classification (germline): Uncertain significance (1 of 4 stars; one submission).

Submission:

GeneDx
Classification: Uncertain significance. Last evaluated: 2022-07-20. Review status: criteria provided, single submitter. Criteria: GeneDx Variant Classification Process June 2021. Collection method: clinical testing. Allele origin: germline. Affected: yes.
Comment: Not observed at significant frequency in large population cohorts (gnomAD); In silico analysis supports that this missense variant has a deleterious effect on protein structure/function; Has not been previously published as pathogenic or benign to our knowledge